The following is an entry in ClinVar:

NM_033026.6(PCLO):c.7313T>C (p.Leu2438Pro)

Gene: PCLO (piccolo presynaptic cytomatrix protein; minus strand). Cytogenetic location: 7q21.11.
Variant type: single nucleotide variant.
Coding change: c.7313T>C on transcript NM_033026.6 (MANE Select); coding-DNA position 7313, T replaced by C.
Protein change: p.Leu2438Pro; replaces leucine 2438 with proline.
Molecular consequence: missense variant.
Genome position (GRCh38, 1-based): chr7:82,953,640, A>G on the plus strand (T>C on the coding strand, the complement: PCLO is on the minus strand). VCF-style: chr7-82953640-A-G. GRCh37 (hg19) VCF-style: chr7-82582956-A-G.
Other names: c.7313T>C, p.Leu2438Pro (NM_014510.3); c.7313T>C (NM_033026.5); short protein forms L2438P.
Identifiers: ClinVar variation 810115 (VCV000810115.48), dbSNP rs182065276, ClinGen allele CA4320326.

ClinVar aggregate classification (germline): Likely benign. Review status: criteria provided, multiple submitters, no conflicts (2 of 4 stars). 3 submissions from 3 submitters: Likely benign (2). 1 of the submissions does not count toward it. Last evaluated 2026-02-02.

Conditions:
PCLO-related disorder. Also called: PCLO-related condition.

Allele frequency attached by ClinVar (database versions not stated): ESP Exome Variant Server 0.00051; gnomAD exomes 0.00059 and 0.00077; gnomAD 0.00064 and 0.00074; TOPMed 0.00071; 1000 Genomes Project 0.00080; ExAC 0.00095; 1000 Genomes Project 30x 0.00109.
gnomAD v4.1: 923 of 1,535,194 alleles (0.06%); highest among the groups gnomAD compares: Admixed American, 0.11%; 2 homozygotes.

Submissions (3):

Labcorp Genetics (formerly Invitae), Labcorp
Classification: Likely benign. Last evaluated: 2026-02-02. Review status: criteria provided, single submitter. Criteria: Invitae Variant Classification Sherloc (09022015). Collection method: clinical testing. Allele origin: germline.

CeGaT Center for Human Genetics Tuebingen
Classification: Likely benign. Last evaluated: 2023-05-01. Review status: criteria provided, single submitter. Criteria: CeGaT Center For Human Genetics Tuebingen Variant Classification Criteria Version 2. Collection method: clinical testing. Allele origin: germline. Affected: yes. Observed: 2 variant alleles.
Comment: PCLO: BP4

PreventionGenetics, part of Exact Sciences
Classification: Likely benign for PCLO-related condition. Last evaluated: 2022-10-24. Review status: no assertion criteria provided. Collection method: clinical testing. Allele origin: germline. Not counted in ClinVar's aggregate classification.
Comment: This variant is classified as likely benign based on ACMG/AMP sequence variant interpretation guidelines (Richards et al. 2015 PMID: 25741868, with internal and published modifications).